The following is an entry in ClinVar:

ClinVar aggregate classification (germline): Uncertain significance (1 of 4 stars; one submission).

Conditions:
Hereditary cancer-predisposing syndrome. Also called: Tumor predisposition; Hereditary neoplastic syndrome; Hereditary Cancer Syndrome; Neoplastic Syndromes, Hereditary. Identifiers: Orphanet 140162, MedGen C0027672, MeSH D009386, MONDO:0015356.

gnomAD v4.1: 1 of 1,613,604 alleles (0.000062%); highest among the groups gnomAD compares: Non-Finnish European, 0.000085%; no homozygotes.

Submission:

Ambry Genetics
Classification: Uncertain significance for Hereditary cancer-predisposing syndrome. Last evaluated: 2025-05-24. Review status: criteria provided, single submitter. Criteria: Ambry Variant Classification Scheme 2023. Collection method: clinical testing. Allele origin: germline.
Comment: The p.A286G variant (also known as c.857C>G), located in coding exon 9 of the SMARCE1 gene, results from a C to G substitution at nucleotide position 857. The alanine at codon 286 is replaced by glycine, an amino acid with similar properties. This amino acid position is conserved. In addition, this alteration is predicted to be tolerated by in silico analysis. Based on the available evidence, the clinical significance of this variant remains unclear.

NM_003079.5(SMARCE1):c.857C>G (p.Ala286Gly)

Gene: SMARCE1 (SWI/SNF related BAF chromatin remodeling complex subunit E1; minus strand). Cytogenetic location: 17q21.2.
Variant type: single nucleotide variant.
Coding change: c.857C>G on transcript NM_003079.5 (MANE Select); coding-DNA position 857, C replaced by G.
Protein change: p.Ala286Gly; replaces alanine 286 with glycine.
Molecular consequence: missense variant.
Genome position (GRCh38, 1-based): chr17:40,630,884, G>C on the plus strand (C>G on the coding strand, the complement: SMARCE1 is on the minus strand). VCF-style: chr17-40630884-G-C. GRCh37 (hg19) VCF-style: chr17-38787136-G-C.
Other names: short protein forms A286G.
Identifiers: ClinVar variation 3958603 (VCV003958603.1).